The following is an entry in ClinVar:

ClinVar aggregate classification (germline): Uncertain significance (1 of 4 stars; one submission).

Allele frequency attached by ClinVar (database versions not stated): gnomAD exomes below 0.00001; gnomAD 0.00001.

Submission:

Women's Health and Genetics/Laboratory Corporation of America, LabCorp
Classification: Uncertain significance. Last evaluated: 2020-07-07. Review status: criteria provided, single submitter. Criteria: LabCorp Variant Classification Summary - May 2015. Collection method: clinical testing. Allele origin: germline.
Comment: Variant summary: MAGEL2 c.3526G>A (p.Glu1176Lys) results in a conservative amino acid change located in the MAGE homology domain (IPR002190) of the encoded protein sequence. Three of four in-silico tools predict a benign effect of the variant on protein function. The variant was absent in 249116 control chromosomes (gnomAD v2, exomes dataset). The available data on variant occurrences in the general population are insufficient to allow any conclusion about variant significance. To our knowledge, no occurrence of c.3526G>A in individuals affected with Schaaf-Yang Syndrome and no experimental evidence demonstrating its impact on protein function have been reported. No clinical diagnostic laboratories have submitted clinical-significance assessments for this variant to ClinVar after 2014. Based on the evidence outlined above, the variant was classified as uncertain significance.

NM_019066.5(MAGEL2):c.3526G>A (p.Glu1176Lys)

Gene: MAGEL2 (MAGE family member L2; minus strand). Cytogenetic location: 15q11.2.
Variant type: single nucleotide variant.
Coding change: c.3526G>A on transcript NM_019066.5 (MANE Select); coding-DNA position 3526, G replaced by A.
Protein change: p.Glu1176Lys; replaces glutamic acid 1176 with lysine.
Molecular consequence: missense variant.
Genome position (GRCh38, 1-based): chr15:23,644,217, C>T on the plus strand (G>A on the coding strand, the complement: MAGEL2 is on the minus strand). VCF-style: chr15-23644217-C-T. GRCh37 (hg19) VCF-style: chr15-23889364-C-T.
Other names: short protein forms E1176K.
Identifiers: ClinVar variation 974951 (VCV000974951.1), dbSNP rs1890340333, ClinGen allele CA391322572.